The following is an entry in ClinVar:

NM_007294.4(BRCA1):c.3650C>G (p.Ser1217Cys)

Genes: BRCA1 (BRCA1 DNA repair associated; minus strand), LOC126862571 (BRD4-independent group 4 enhancer GRCh37_chr17:41243136-41244335; plus strand). Cytogenetic location: 17q21.31.
Variant type: single nucleotide variant.
Coding change: c.3650C>G on transcript NM_007294.4 (MANE Select); coding-DNA position 3650, C replaced by G.
Protein change: p.Ser1217Cys; replaces serine 1217 with cysteine.
Molecular consequence: missense variant. On other transcripts: intron variant (135).
Genome position (GRCh38, 1-based): chr17:43,091,881, G>C on the plus strand (C>G on the coding strand, the complement: BRCA1 is on the minus strand). VCF-style: chr17-43091881-G-C. GRCh37 (hg19) VCF-style: chr17-41243898-G-C.
Other names: p.S1217C:TCT>TGT; 3769C>G; c.3527C>G, p.Ser1176Cys (NM_001407863.1, NM_001407919.1, NM_001407937.1 and 19 more transcripts); c.3446C>G, p.Ser1149Cys (NM_001407874.1, NM_001407875.1); c.3440C>G, p.Ser1147Cys (NM_001407879.1, NM_001407881.1, NM_001407882.1 and 13 more transcripts); c.3437C>G, p.Ser1146Cys (NM_001407894.1, NM_001407895.1, NM_001407896.1 and 9 more transcripts); c.3386C>G, p.Ser1129Cys (NM_001407920.1, NM_001407921.1, NM_001407922.1 and 9 more transcripts); c.3383C>G, p.Ser1128Cys (NM_001407930.1, NM_001407931.1, NM_001407932.1 and 2 more transcripts); and 43 more; short protein forms S1217C, S1170C, S1129C, S1146C, S1190C, S1214C, S1216C, S921C.
Identifiers: ClinVar variation 91611 (VCV000091611.29), dbSNP rs398122676, ClinGen allele CA002338.
Genomic context (GRCh38, chr17:43,091,881, plus strand): 5'-ATATTGTTTACTTTACCAAATAACAAGTGTTGGAAGCAGGGAAGCTCTTCATCCTCACTA[G>C]ATAAGTTCTCTTCTGAGGACTCTAATTTCTTGGCCCCTCTTCGGTAACCCTGAGCCAAAT-3'
Protein context (NP_009225.1, residues 1207-1227): KKLESSEENL[Ser1217Cys]SEDEELPCFQ

ClinVar aggregate classification (germline): Conflicting classifications of pathogenicity. Review status: criteria provided, conflicting classifications (1 of 4 stars). 9 submissions from 9 submitters: Uncertain significance (5); Likely benign (1). 3 of the submissions do not count toward it. Last evaluated 2025-05-22.

Conditions:
Familial cancer of breast. Also called: hereditary breast carcinoma; BREAST CANCER, FAMILIAL; Hereditary breast cancer. Identifiers: Orphanet 227535, MedGen C0346153, MONDO:0016419, OMIM 114480. Disease mechanism: loss of function.
Breast-ovarian cancer, familial, susceptibility to, 1 (BROVCA1). Also called: BRCA1 Hereditary Breast and Ovarian Cancer; OVARIAN CANCER, SUSCEPTIBILITY TO. Identifiers: Orphanet 145, MedGen C2676676, MONDO:0011450, OMIM 604370. Disease mechanism: loss of function.
Hereditary cancer-predisposing syndrome. Also called: Hereditary Cancer Syndrome; Hereditary neoplastic syndrome; Neoplastic Syndromes, Hereditary; Tumor predisposition. Identifiers: Orphanet 140162, MedGen C0027672, MeSH D009386, MONDO:0015356.
Hereditary breast ovarian cancer syndrome. Also called: BRCA1- and BRCA2-Associated Hereditary Breast and Ovarian Cancer; Hereditary breast and ovarian cancer syndrome; Hereditary breast and ovarian cancer syndrome (HBOC); Breast and ovarian cancer; Hereditary breast and/or ovarian cancer syndrome; Hereditary breast and ovarian cancer. Identifiers: Orphanet 145, MedGen C0677776, MeSH D061325, MONDO:0003582. Disease mechanism: loss of function.

Allele frequency attached by ClinVar (database versions not stated): gnomAD exomes 0.00001 and below 0.00001; TOPMed below 0.00001; ExAC 0.00002.
gnomAD v4.1: 4 of 1,614,166 alleles (0.00025%); highest among the groups gnomAD compares: East Asian, 0.0067%; no homozygotes.

Submissions (9):

Labcorp Genetics (formerly Invitae), Labcorp
Classification: Uncertain significance for Hereditary breast ovarian cancer syndrome. Last evaluated: 2025-05-22. Review status: criteria provided, single submitter. Criteria: Invitae Variant Classification Sherloc (09022015). Collection method: clinical testing. Allele origin: germline.
Comment: This sequence change replaces serine, which is neutral and polar, with cysteine, which is neutral and slightly polar, at codon 1217 of the BRCA1 protein (p.Ser1217Cys). This variant is present in population databases (rs398122676, gnomAD 0.02%). This missense change has been observed in individual(s) with breast and/or ovarian cancer (PMID: 22217648, 27124784, 27383479, 28111427, 35918668). ClinVar contains an entry for this variant (Variation ID: 91611). Invitae Evidence Modeling of protein sequence and biophysical properties (such as structural, functional, and spatial information, amino acid conservation, physicochemical variation, residue mobility, and thermodynamic stability) indicates that this missense variant is not expected to disrupt BRCA1 protein function with a negative predictive value of 80%. In summary, the available evidence is currently insufficient to determine the role of this variant in disease. Therefore, it has been classified as a Variant of Uncertain Significance.

Ambry Genetics
Classification: Uncertain significance for Hereditary cancer-predisposing syndrome. Last evaluated: 2025-03-06. Review status: criteria provided, single submitter. Criteria: Ambry Variant Classification Scheme 2023. Collection method: clinical testing. Allele origin: germline.
Comment: The p.S1217C variant (also known as c.3650C>G), located in coding exon 9 of the BRCA1 gene, results from a C to G substitution at nucleotide position 3650. The serine at codon 1217 is replaced by cysteine, an amino acid with dissimilar properties. One study detected this alteration in 1/134 Korean breast cancer patients as well as in 9/96 healthy controls (Jang JH et al. J. Hum. Genet., 2012 Mar;57:212-5). Additional studies have also reported this alteration in Korean breast cancer patients (Shin S et al. Breast Cancer Res. Treat., 2016 08;158:433-40; Park JS et al. Cancer Res Treat, 2017 Oct;49:1012-1021; Park KS et al. Genet. Med., 2016 12;18:1250-1257). This amino acid position is well conserved in available vertebrate species. In addition, the in silico prediction for this alteration is inconclusive. Since supporting evidence is limited at this time, the clinical significance of this alteration remains unclear.

Color Diagnostics, LLC DBA Color Health
Classification: Uncertain significance for Hereditary cancer-predisposing syndrome. Last evaluated: 2024-11-13. Review status: criteria provided, single submitter. Criteria: ACMG Guidelines, 2015. Collection method: clinical testing. Allele origin: germline.
Comment: This missense variant replaces serine with cysteine at codon 1217 of the BRCA1 protein. Computational prediction tools and conservation analyses suggest that this variant may not impact protein structure and function. To our knowledge, functional studies have not been reported for this variant. This variant has been reported in 5 individuals affected with hereditary breast and/or ovarian cancer (PMID: 22217648, 27124784, 27383479, 28111427, 35918668), as well as in 9 unaffected controls (PMID: 22217648). This variant has been identified in 3/251292 chromosomes in the general population by the Genome Aggregation Database (gnomAD). The available evidence is insufficient to determine the role of this variant in disease conclusively. Therefore, this variant is classified as a Variant of Uncertain Significance.

University of Washington Department of Laboratory Medicine, University of Washington
Classification: Likely benign for Hereditary cancer-predisposing syndrome. Last evaluated: 2023-03-23. Review status: criteria provided, single submitter. Criteria: Dines et al. (Genet Med. 2020). Collection method: curation. Allele origin: germline.
Comment: Missense variant in a coldspot region where missense variants are very unlikely to be pathogenic (PMID:31911673).

BRCA1 coldspot (exon 11 using historical exon numbering). Reclassification based on statistical prior probability

Quest Diagnostics Nichols Institute San Juan Capistrano
Classification: Uncertain significance. Last evaluated: 2020-09-11. Review status: criteria provided, single submitter. Criteria: Quest Diagnostics criteria. Collection method: clinical testing. Allele origin: unknown.

GeneDx
Classification: Uncertain significance. Last evaluated: 2017-08-03. Review status: criteria provided, single submitter. Criteria: GeneDx Variant Classification (06012015). Collection method: clinical testing. Allele origin: germline. Affected: yes.
Comment: This variant is denoted BRCA1 c.3650C>G at the cDNA level, p.Ser1217Cys (S1217C) at the protein level, and results in the change of a Serine to a Cysteine (TCT>TGT). Using alternate nomenclature, this variant would be defined as BRCA1 3769C>G. This variant has been observed in at least four Korean breast and/or ovarian cancer patients, but also in 9/96 unaffected Korean controls in one study (Jang 2012, Park 2016, Shin 2016, Park 2017). BRCA1 Ser1217Cys was not observed at a significant allele frequency in large population cohorts (NHLBI Exome Sequencing Project, The 1000 Genomes Consortium 2015, Lek 2016). Since Serine and Cysteine differ in polarity, charge, size or other properties, this is considered a non-conservative amino acid substitution. BRCA1 Ser1217Cys occurs at a position that is not conserved and is not located in a known functional domain. In silico analyses are inconsistent regarding the effect this variant may have on protein structure and function. Based on currently available evidence, it is unclear whether BRCA1 Ser1217Cys is a pathogenic or benign variant. We consider it to be a variant of uncertain significance.

Counsyl
Classification: Uncertain significance for Breast-ovarian cancer, familial, susceptibility to, 1. Last evaluated: 2015-12-13. Review status: no assertion criteria provided. Collection method: clinical testing. Allele origin: unknown. Not counted in ClinVar's aggregate classification.

Sharing Clinical Reports Project (SCRP)
Classification: Uncertain significance for Breast-ovarian cancer, familial 1. Last evaluated: 2011-08-31. Review status: no assertion criteria provided. Collection method: clinical testing. Allele origin: germline. Not counted in ClinVar's aggregate classification.

Center for Precision Medicine, Meizhou People's Hospital
Classification: Uncertain significance for Familial cancer of breast. Review status: no assertion criteria provided. Collection method: literature only. Allele origin: germline. Affected: yes. Not counted in ClinVar's aggregate classification.

Literature cited by the submitters: PubMed 22217648 (cited by 5 submitters); PubMed 27124784 (cited by 4 submitters); PubMed 27383479 (cited by 5 submitters); PubMed 28111427 (cited by 3 submitters); PubMed 35918668 (cited by Labcorp Genetics (formerly Invitae), Labcorp and Color Diagnostics, LLC DBA Color Health); PubMed 31907386 (cited by Quest Diagnostics Nichols Institute San Juan Capistrano and Center for Precision Medicine, Meizhou People's Hospital).